The following is an entry in ClinVar:

ClinVar aggregate classification (germline): Uncertain significance (1 of 4 stars; one submission).

Submission:

Ambry Genetics
Classification: Uncertain significance. Last evaluated: 2026-01-14. Review status: criteria provided, single submitter. Criteria: Ambry Variant Classification Scheme 2023. Collection method: clinical testing. Allele origin: germline.
Comment: The c.752A>C (p.D251A) alteration is located in exon 7 (coding exon 7) of the AGAP4 gene. This alteration results from a A to C substitution at nucleotide position 752, causing the aspartic acid (D) at amino acid position 251 to be replaced by an alanine (A). Based on data from gnomAD, the C allele has an overall frequency of 0.01% (2/20836) total alleles studied. The highest observed frequency was 0.042% (2/4818) of Latino alleles. Based on insufficient or conflicting evidence, the clinical significance of this alteration remains unclear.

NM_001276343.3(AGAP4):c.821A>C (p.Asp274Ala)

Gene: AGAP4 (ArfGAP with GTPase domain, ankyrin repeat and PH domain 4; minus strand). Cytogenetic location: 10q11.22.
Variant type: single nucleotide variant.
Coding change: c.821A>C on transcript NM_001276343.3 (MANE Select); coding-DNA position 821, A replaced by C.
Protein change: p.Asp274Ala; replaces aspartic acid 274 with alanine.
Molecular consequence: missense variant. On other transcripts: non-coding transcript variant (3), 3 prime UTR variant (1).
Genome position (GRCh38, 1-based): chr10:45,827,155, T>G on the plus strand (A>C on the coding strand, the complement: AGAP4 is on the minus strand). VCF-style: chr10-45827155-T-G. GRCh37 (hg19) VCF-style: chr10-46322603-T-G.
Other names: c.704A>C, p.Asp235Ala (NM_001393377.1); c.*274A>C (NM_001393378.1); c.752A>C, p.Asp251Ala (NM_133446.4); short protein forms D235A, D274A, D251A.
Identifiers: ClinVar variation 4829272 (VCV004829272.1).
Genomic context (GRCh38, chr10:45,827,155, plus strand): 5'-CCACTTCGCTTTAAGAGCATGCCCTGTTTAATGGGGATGGCTCTGCCGCTCCCGATGGTG[T>G]CAGCATGATTCTCCGGGGCTTTCCTCTCTTTGTCTGGGTCACTCCCTTTCTCAGATGTAA-3'
Protein context (NP_001263272.2, residues 264-284): KERKAPENHA[Asp274Ala]TIGSGRAIPI